The following is an entry in ClinVar:

NM_182914.3(SYNE2):c.10988A>C (p.Glu3663Ala)

Gene: SYNE2 (spectrin repeat containing nuclear envelope protein 2; plus strand). Cytogenetic location: 14q23.2.
Variant type: single nucleotide variant.
Coding change: c.10988A>C on transcript NM_182914.3 (MANE Select); coding-DNA position 10988, A replaced by C.
Protein change: p.Glu3663Ala; replaces glutamic acid 3663 with alanine.
Molecular consequence: missense variant.
Genome position (GRCh38, 1-based): chr14:64,076,066, A>C. VCF-style: chr14-64076066-A-C. GRCh37 (hg19) VCF-style: chr14-64542784-A-C.
Other names: c.10988A>C, p.Glu3663Ala (NM_015180.6); short protein forms E3663A.
Identifiers: ClinVar variation 934864 (VCV000934864.6), dbSNP rs369298370, ClinGen allele CA7221662.
Genomic context (GRCh38, chr14:64,076,066, plus strand): 5'-GAATCAAGTATTCCGAAATGTACACCATAGTCCCTGCAGAGATTGAATCCCAGGTGGAAG[A>C]ATGCAGAAAAGCTTTAGAAGACATAGATGAGAAGGTAATAATAATGTCTGTACTACTGTT-3'
Protein context (NP_878918.2, residues 3653-3673): VPAEIESQVE[Glu3663Ala]CRKALEDIDE

ClinVar aggregate classification (germline): Uncertain significance (1 of 4 stars; one submission).

Conditions:
Emery-Dreifuss muscular dystrophy 5, autosomal dominant (EDMD5). Also called: EMERY-DREIFUSS MUSCULAR DYSTROPHY 5. Identifiers: Orphanet 261, MedGen C2751805, MONDO:0013072, OMIM 612999.

Allele frequency attached by ClinVar (database versions not stated): gnomAD 0.00011 and 0.00014; ESP Exome Variant Server 0.00015; TOPMed 0.00015.
gnomAD v4.1: 43 of 1,613,794 alleles (0.0027%); highest among the groups gnomAD compares: African/African-American, 0.044%; no homozygotes.

Submission:

Labcorp Genetics (formerly Invitae), Labcorp
Classification: Uncertain significance for Emery-Dreifuss muscular dystrophy 5, autosomal dominant. Last evaluated: 2024-01-20. Review status: criteria provided, single submitter. Criteria: Invitae Variant Classification Sherloc (09022015). Collection method: clinical testing. Allele origin: germline.
Comment: This sequence change replaces glutamic acid, which is acidic and polar, with alanine, which is neutral and non-polar, at codon 3663 of the SYNE2 protein (p.Glu3663Ala). This variant is present in population databases (rs369298370, gnomAD 0.04%), and has an allele count higher than expected for a pathogenic variant. This variant has not been reported in the literature in individuals affected with SYNE2-related conditions. ClinVar contains an entry for this variant (Variation ID: 934864). An algorithm developed to predict the effect of missense changes on protein structure and function (PolyPhen-2) suggests that this variant is likely to be disruptive. In summary, the available evidence is currently insufficient to determine the role of this variant in disease. Therefore, it has been classified as a Variant of Uncertain Significance.